The following is an entry in ClinVar:

NM_001374736.1(DST):c.22386A>G (p.Gly7462=)

Gene: DST (dystonin; minus strand). Cytogenetic location: 6p12.1.
Variant type: single nucleotide variant.
Coding change: c.22386A>G on transcript NM_001374736.1 (MANE Select); coding-DNA position 22386, A replaced by G.
Protein change: p.Gly7462=; no amino-acid change (glycine 7462 retained).
Molecular consequence: synonymous variant.
Genome position (GRCh38, 1-based): chr6:56,470,218, T>C on the plus strand (A>G on the coding strand, the complement: DST is on the minus strand). VCF-style: chr6-56470218-T-C. GRCh37 (hg19) VCF-style: chr6-56335016-T-C.
Other names: p.Gly4839=; c.16029A>G, p.Gly5343= (NM_001144769.5); c.15615A>G, p.Gly5205= (NM_001144770.2); c.22386A>G, p.Gly7462= (NM_001374722.1); c.21426A>G, p.Gly7142= (NM_001374729.1); c.15168A>G, p.Gly5056= (NM_001374730.1); c.22413A>G, p.Gly7471= (NM_001374734.1); c.15495A>G, p.Gly5165= (NM_001386100.1, NM_183380.4); and 1 more.
Identifiers: ClinVar variation 3031021 (VCV003031021.3), dbSNP rs1224479804, ClinGen allele CA450486400.

ClinVar aggregate classification (germline): Likely benign. Review status: criteria provided, single submitter (1 of 4 stars). 2 submissions from 2 submitters: Likely benign (1). 1 of the submissions does not count toward it. Last evaluated 2024-12-17.

Conditions:
DST-related disorder. Also called: DST-related condition; DST-related disorders.

Allele frequency attached by ClinVar (database versions not stated): gnomAD exomes below 0.00001; gnomAD 0.00001; TOPMed 0.00001.
gnomAD v4.1: 13 of 1,611,700 alleles (0.00081%); highest among the groups gnomAD compares: East Asian, 0.011%; no homozygotes.

Submissions (2):

Mayo Clinic Laboratories, Mayo Clinic
Classification: Likely benign. Last evaluated: 2024-12-17. Review status: criteria provided, single submitter. Criteria: ACMG Guidelines, 2015. Collection method: clinical testing. Allele origin: germline. Observed: 1 variant allele.
Comment: BP4, BP7

PreventionGenetics, part of Exact Sciences
Classification: Likely benign for DST-related condition. Last evaluated: 2021-07-13. Review status: no assertion criteria provided. Collection method: clinical testing. Allele origin: germline. Not counted in ClinVar's aggregate classification.
Comment: This variant is classified as likely benign based on ACMG/AMP sequence variant interpretation guidelines (Richards et al. 2015 PMID: 25741868, with internal and published modifications).